The following is an entry in ClinVar:

NM_000038.6(APC):c.776G>A (p.Arg259Gln)

Gene: APC (APC regulator of Wnt signaling pathway; plus strand). Cytogenetic location: 5q22.2.
Variant type: single nucleotide variant.
Coding change: c.776G>A on transcript NM_000038.6 (MANE Select); coding-DNA position 776, G replaced by A.
Protein change: p.Arg259Gln; replaces arginine 259 with glutamine.
Molecular consequence: missense variant. On other transcripts: 5 prime UTR variant (1).
Genome position (GRCh38, 1-based): chr5:112,801,325, G>A. VCF-style: chr5-112801325-G-A. GRCh37 (hg19) VCF-style: chr5-112137022-G-A.
Other names: c.-260G>A (NM_001354906.2); c.776G>A, p.Arg259Gln (NM_001127510.3, NM_001354895.2, NM_001354896.2 and 1 more transcripts); c.722G>A, p.Arg241Gln (NM_001127511.3); c.806G>A, p.Arg269Gln (NM_001354897.2, NM_001354902.2); c.701G>A, p.Arg234Gln (NM_001354898.2, NM_001354904.2); c.692G>A, p.Arg231Gln (NM_001354899.2); c.599G>A, p.Arg200Gln (NM_001354900.2, NM_001354901.2, NM_001354905.2); short protein forms R241Q, R259Q, R231Q, R269Q, R200Q, R234Q.
Identifiers: ClinVar variation 411335 (VCV000411335.30), dbSNP rs767457050, ClinGen allele CA049116.
Genomic context (GRCh38, chr5:112,801,325, plus strand): 5'-CTCCATCTTAACAGAGGTCATCTCAGAACAAGCATGAAACCGGCTCACATGATGCTGAGC[G>A]GCAGAATGAAGGTCAAGGAGTGGGAGAAATCAACATGGCAACTTCTGGTAATGGTCAGGT-3'
Protein context (NP_000029.2, residues 249-269): KHETGSHDAE[Arg259Gln]QNEGQGVGEI

ClinVar aggregate classification (germline): Conflicting classifications of pathogenicity. Review status: criteria provided, conflicting classifications (1 of 4 stars). 9 submissions from 9 submitters: Uncertain significance (7); Likely benign (1). 1 of the submissions does not count toward it. Last evaluated 2026-01-06.

Conditions:
Familial adenomatous polyposis 1 (FAP1). Also called: FAMILIAL ADENOMATOUS POLYPOSIS 1, ATTENUATED; POLYPOSIS, ADENOMATOUS INTESTINAL. Identifiers: MedGen C2713442, MONDO:0021056, OMIM 175100. Disease mechanism: loss of function.
Gastric adenocarcinoma and proximal polyposis of the stomach (GAPPS). Also called: POLYPOSIS, GASTRIC; Gastric Adenocarcinoma and Proximal Polyposis of the Stomach (GAPPS); Polyposis, gastric, Dos Santos and de Magalhaes 1980. Identifiers: Orphanet 314022, MedGen C4749917, MONDO:0017790, OMIM 619182.
Desmoid disease, hereditary (DESMD). Also called: FIBROMATOSIS, FAMILIAL INFILTRATIVE. Identifiers: Orphanet 873, MedGen C1851124, OMIM 135290. Disease mechanism: loss of function.
Hepatocellular carcinoma (HCC). Also called: Primary carcinoma of liver; HEPATOMA; LIVER CELL CARCINOMA. Identifiers: Orphanet 88673, MedGen C2239176, MONDO:0007256, OMIM 114550, HP:0001402.
Gastric cancer. Also called: Malignant tumor of stomach; Stomach cancer. Identifiers: MedGen C0024623, MeSH D013274, MONDO:0001056, OMIM 613659, HP:0012126.
Colorectal cancer. Also called: Malignant Colorectal Neoplasm; Colorectal cancer, somatic. Identifiers: MedGen C0346629, MONDO:0005575, OMIM 114500.
Classic or attenuated familial adenomatous polyposis. Identifiers: MedGen CN372698, MONDO:0021057.
APC-related disorder. Also called: APC-related condition.
Hereditary cancer-predisposing syndrome. Also called: Neoplastic Syndromes, Hereditary; Hereditary Cancer Syndrome; Hereditary neoplastic syndrome; Tumor predisposition. Identifiers: Orphanet 140162, MedGen C0027672, MeSH D009386, MONDO:0015356.

Allele frequency attached by ClinVar (database versions not stated): gnomAD 0.00004; TOPMed 0.00006; gnomAD exomes 0.00001 and 0.00002; ExAC 0.00002.
gnomAD v4.1: 27 of 1,612,944 alleles (0.0017%); highest among the groups gnomAD compares: Admixed American, 0.01%; no homozygotes.

Submissions (9):

Labcorp Genetics (formerly Invitae), Labcorp
Classification: Uncertain significance for Familial adenomatous polyposis 1. Last evaluated: 2026-01-06. Review status: criteria provided, single submitter. Criteria: Invitae Variant Classification Sherloc (09022015). Collection method: clinical testing. Allele origin: germline.
Comment: This sequence change replaces arginine, which is basic and polar, with glutamine, which is neutral and polar, at codon 259 of the APC protein (p.Arg259Gln). This variant is present in population databases (rs767457050, gnomAD 0.003%). This variant has not been reported in the literature in individuals affected with APC-related conditions. ClinVar contains an entry for this variant (Variation ID: 411335). Invitae Evidence Modeling of protein sequence and biophysical properties (such as structural, functional, and spatial information, amino acid conservation, physicochemical variation, residue mobility, and thermodynamic stability) indicates that this missense variant is not expected to disrupt APC protein function with a negative predictive value of 95%. In summary, the available evidence is currently insufficient to determine the role of this variant in disease. Therefore, it has been classified as a Variant of Uncertain Significance.

Center for Genomic Medicine, Rigshospitalet, Copenhagen University Hospital
Classification: Uncertain significance. Last evaluated: 2025-03-04. Review status: criteria provided, single submitter. Criteria: ACMG Guidelines, 2015. Collection method: clinical testing. Allele origin: germline.

Color Diagnostics, LLC DBA Color Health
Classification: Likely benign for Hereditary cancer-predisposing syndrome. Last evaluated: 2025-02-18. Review status: criteria provided, single submitter. Criteria: ACMG Guidelines, 2015. Collection method: clinical testing. Allele origin: germline.

Ambry Genetics
Classification: Uncertain significance for Hereditary cancer-predisposing syndrome. Last evaluated: 2024-10-10. Review status: criteria provided, single submitter. Criteria: Ambry Variant Classification Scheme 2023. Collection method: clinical testing. Allele origin: germline.
Comment: The p.R259Q variant (also known as c.776G>A), located in coding exon 7 of the APC gene, results from a G to A substitution at nucleotide position 776. The arginine at codon 259 is replaced by glutamine, an amino acid with highly similar properties. Missense alterations in APC are not a common cause of disease (Spier I et al. Genet Med. 2024 Feb;26(2):100992). This amino acid position is well conserved in available vertebrate species; however, glutamine is the reference amino acid in other vertebrate species. In addition, in silico predictors for this gene do not accurately predict pathogenicity. Based on the available evidence, the clinical significance of this variant remains unclear.

All of Us Research Program, National Institutes of Health
Classification: Uncertain significance for Classic or attenuated familial adenomatous polyposis. Last evaluated: 2024-04-10. Review status: criteria provided, single submitter. Criteria: ACMG Guidelines, 2015. Collection method: clinical testing. Allele origin: germline. Inheritance: Autosomal dominant inheritance. Observed: 6 variant alleles, 6 heterozygotes.
Comment: This missense variant replaces arginine with glutamine at codon 259 of the APC protein. Computational prediction is inconclusive regarding the impact of this variant on protein structure and function (internally defined REVEL score threshold 0.5 < inconclusive < 0.7, PMID: 27666373). To our knowledge, functional studies have not been reported for this variant. This variant has been reported in an individual affected with pancreatic cancer (PMID: 30458888). This variant has been identified in 4/251060 chromosomes in the general population by the Genome Aggregation Database (gnomAD). The available evidence is insufficient to determine the role of this variant in disease conclusively. Therefore, this variant is classified as a Variant of Uncertain Significance.

This study involves interpretation of variants in research participants for the purpose of population health screening. Participant phenotype was not available at the time of variant classification. Additional details can be found in publication PMID: 35346344, PMCID: PMC8962531

GeneDx
Classification: Uncertain significance. Last evaluated: 2023-11-26. Review status: criteria provided, single submitter. Criteria: GeneDx Variant Classification Process June 2021. Collection method: clinical testing. Allele origin: germline. Affected: yes.
Comment: Not observed at significant frequency in large population cohorts (gnomAD); In silico analysis supports that this missense variant does not alter protein structure/function; Not observed in any cases, but was observed in unaffected controls from a colorectal and breast cancer study (PMID: 32658311); This variant is associated with the following publications: (PMID: 30458888, 28526081, 32658311)

Fulgent Genetics
Classification: Uncertain significance for Colorectal cancer; Hepatocellular carcinoma; Desmoid disease, hereditary; Familial adenomatous polyposis 1; Gastric cancer; Gastric adenocarcinoma and proximal polyposis of the stomach. Last evaluated: 2022-03-17. Review status: criteria provided, single submitter. Criteria: ACMG Guidelines, 2015. Collection method: clinical testing. Allele origin: unknown.

Women's Health and Genetics/Laboratory Corporation of America, LabCorp
Classification: Uncertain significance. Last evaluated: 2017-08-16. Review status: criteria provided, single submitter. Criteria: LabCorp Variant Classification Summary - May 2015. Collection method: clinical testing. Allele origin: germline.
Comment: Variant summary: The APC c.776G>A (p.Arg259Gln) variant involves the alteration of a conserved nucleotide. 4/4 in silico tools predict a benign outcome for this variant (SNPsandGO not captured due to low reliability index). This variant was found in 2/120040 control chromosomes at a frequency of 0.0000167, which does not exceed the estimated maximal expected allele frequency of a pathogenic APC variant (0.0000714). One clinical diagnostic laboratory/reputable database classified this variant as uncertain significance. The variant of interest has not, to our knowledge, been reported in affected individuals via publications nor evaluated for functional impact by in vivo/vitro studies. Because of the absence of clinical information and the lack of functional studies, the variant is classified as a variant of uncertain significance (VUS) until additional information becomes available.

PreventionGenetics, part of Exact Sciences
Classification: Uncertain significance for APC-related condition. Last evaluated: 2024-09-26. Review status: no assertion criteria provided. Collection method: clinical testing. Allele origin: germline. Not counted in ClinVar's aggregate classification.
Comment: The APC c.776G>A variant is predicted to result in the amino acid substitution p.Arg259Gln. This variant is reported in 0.0033% of alleles in individuals of South Asian descent in gnomAD. In ClinVar, it is reported as uncertain significance. At this time, the clinical significance of this variant is uncertain due to the absence of conclusive functional and genetic evidence.

Literature cited by the submitters: PubMed 30458888 (cited by All of Us Research Program, National Institutes of Health); PubMed 28526081 (cited by Women's Health and Genetics/Laboratory Corporation of America, LabCorp).